The following is an entry in ClinVar:

ClinVar aggregate classification (germline): Uncertain significance (1 of 4 stars; one submission).

Submission:

Labcorp Genetics (formerly Invitae), Labcorp
Classification: Uncertain significance. Last evaluated: 2022-11-15. Review status: criteria provided, single submitter. Criteria: Invitae Variant Classification Sherloc (09022015). Collection method: clinical testing. Allele origin: germline.
Comment: In summary, the available evidence is currently insufficient to determine the role of this variant in disease. Therefore, it has been classified as a Variant of Uncertain Significance. Algorithms developed to predict the effect of missense changes on protein structure and function (SIFT, PolyPhen-2, Align-GVGD) all suggest that this variant is likely to be tolerated. This variant has not been reported in the literature in individuals affected with KIDINS220-related conditions. This variant is not present in population databases (gnomAD no frequency). This sequence change replaces leucine, which is neutral and non-polar, with isoleucine, which is neutral and non-polar, at codon 856 of the KIDINS220 protein (p.Leu856Ile).

NM_020738.4(KIDINS220):c.2566C>A (p.Leu856Ile)

Gene: KIDINS220 (kinase D interacting substrate 220; minus strand). Cytogenetic location: 2p25.1.
Variant type: single nucleotide variant.
Coding change: c.2566C>A on transcript NM_020738.4 (MANE Select); coding-DNA position 2566, C replaced by A.
Protein change: p.Leu856Ile; replaces leucine 856 with isoleucine.
Molecular consequence: missense variant. On other transcripts: non-coding transcript variant (2).
Genome position (GRCh38, 1-based): chr2:8,778,944, G>T on the plus strand (C>A on the coding strand, the complement: KIDINS220 is on the minus strand). VCF-style: chr2-8778944-G-T. GRCh37 (hg19) VCF-style: chr2-8919074-G-T.
Other names: c.2569C>A, p.Leu857Ile (NM_001348729.2, NM_001348731.2, NM_001348734.2 and 3 more transcripts); c.2566C>A, p.Leu856Ile (NM_001348732.2, NM_001348735.2, NM_001348738.2 and 3 more transcripts); c.2440C>A, p.Leu814Ile (NM_001348736.2); short protein forms L814I, L857I, L856I.
Identifiers: ClinVar variation 1947645 (VCV001947645.5), dbSNP rs2527922866, ClinGen allele CA345759902.
Genomic context (GRCh38, chr2:8,778,944, plus strand): 5'-CCTGAGCTTTACCTGTAGTATCTGAGCATGGAACGTCTCCATTTGTTGCTGAAGTTACGA[G>T]AAATTTTCTTGCATTGCTTAGTCCACGACTATTAAGGAACACAGGCAAGTGGACTATGTT-3'
Protein context (NP_065789.1, residues 846-866): SRGLSNARKF[Leu856Ile]VTSATNGDVP